The following is an entry in ClinVar:

ClinVar aggregate classification (germline): Uncertain significance (1 of 4 stars; one submission).

Allele frequency attached by ClinVar (database versions not stated): ExAC 0.00001; gnomAD exomes 0.00001.

Submission:

Labcorp Genetics (formerly Invitae), Labcorp
Classification: Uncertain significance. Last evaluated: 2022-04-29. Review status: criteria provided, single submitter. Criteria: Invitae Variant Classification Sherloc (09022015). Collection method: clinical testing. Allele origin: germline.
Comment: In summary, the available evidence is currently insufficient to determine the role of this variant in disease. Therefore, it has been classified as a Variant of Uncertain Significance. This sequence change replaces arginine, which is basic and polar, with cysteine, which is neutral and slightly polar, at codon 343 of the ASAH1 protein (p.Arg343Cys). This variant is present in population databases (rs781150929, gnomAD 0.0009%). This variant has not been reported in the literature in individuals affected with ASAH1-related conditions. Algorithms developed to predict the effect of missense changes on protein structure and function (SIFT, PolyPhen-2, Align-GVGD) all suggest that this variant is likely to be disruptive.

NM_177924.5(ASAH1):c.1027C>T (p.Arg343Cys)

Gene: ASAH1 (N-acylsphingosine amidohydrolase 1; minus strand). Cytogenetic location: 8p22.
Variant type: single nucleotide variant.
Coding change: c.1027C>T on transcript NM_177924.5 (MANE Select); coding-DNA position 1027, C replaced by T.
Protein change: p.Arg343Cys; replaces arginine 343 with cysteine.
Molecular consequence: missense variant.
Genome position (GRCh38, 1-based): chr8:18,059,355, G>A on the plus strand (C>T on the coding strand, the complement: ASAH1 is on the minus strand). VCF-style: chr8-18059355-G-A. GRCh37 (hg19) VCF-style: chr8-17916864-G-A.
Other names: c.1009C>T, p.Arg337Cys (NM_001127505.3); c.832C>T, p.Arg278Cys (NM_001363743.2); c.1075C>T, p.Arg359Cys (NM_004315.6); short protein forms R278C, R337C, R343C, R359C.
Identifiers: ClinVar variation 1917569 (VCV001917569.4), dbSNP rs781150929, ClinGen allele CA4650593.